The following is an entry in ClinVar:

ClinVar aggregate classification (germline): Uncertain significance (1 of 4 stars; one submission).

Allele frequency attached by ClinVar (database versions not stated): gnomAD exomes below 0.00001; TOPMed below 0.00001; gnomAD 0.00001.
gnomAD v4.1: 6 of 1,613,828 alleles (0.00037%); highest among the groups gnomAD compares: African/African-American, 0.004%; no homozygotes.

Submission:

Labcorp Genetics (formerly Invitae), Labcorp
Classification: Uncertain significance. Last evaluated: 2025-01-14. Review status: criteria provided, single submitter. Criteria: Invitae Variant Classification Sherloc (09022015). Collection method: clinical testing. Allele origin: germline.
Comment: This sequence change replaces tyrosine, which is neutral and polar, with cysteine, which is neutral and slightly polar, at codon 198 of the CEP152 protein (p.Tyr198Cys). This variant is not present in population databases (gnomAD no frequency). This variant has not been reported in the literature in individuals affected with CEP152-related conditions. ClinVar contains an entry for this variant (Variation ID: 1908588). Invitae Evidence Modeling of protein sequence and biophysical properties (such as structural, functional, and spatial information, amino acid conservation, physicochemical variation, residue mobility, and thermodynamic stability) has been performed for this missense variant. However, the output from this modeling did not meet the statistical confidence thresholds required to predict the impact of this variant on CEP152 protein function. In summary, the available evidence is currently insufficient to determine the role of this variant in disease. Therefore, it has been classified as a Variant of Uncertain Significance.

NM_001194998.2(CEP152):c.593A>G (p.Tyr198Cys)

Gene: CEP152 (centrosomal protein 152; minus strand). Cytogenetic location: 15q21.1.
Variant type: single nucleotide variant.
Coding change: c.593A>G on transcript NM_001194998.2 (MANE Select); coding-DNA position 593, A replaced by G.
Protein change: p.Tyr198Cys; replaces tyrosine 198 with cysteine.
Molecular consequence: missense variant.
Genome position (GRCh38, 1-based): chr15:48,796,108, T>C on the plus strand (A>G on the coding strand, the complement: CEP152 is on the minus strand). VCF-style: chr15-48796108-T-C. GRCh37 (hg19) VCF-style: chr15-49088305-T-C.
Other names: c.593A>G, p.Tyr198Cys (NM_014985.4); short protein forms Y198C.
Identifiers: ClinVar variation 1908588 (VCV001908588.5), dbSNP rs995122251, ClinGen allele CA269572584.